The following is an entry in ClinVar:

ClinVar aggregate classification (germline): Uncertain significance. Review status: criteria provided, multiple submitters, no conflicts (2 of 4 stars). 2 submissions from 2 submitters: Uncertain significance (2). Last evaluated 2026-03-27.

Conditions:
PRKAR1B-related disorder. Also called: PRKAR1B-related condition.

gnomAD v4.1: 410 of 1,599,278 alleles (0.026%); highest among the groups gnomAD compares: Non-Finnish European, 0.026%; no homozygotes.

Submissions (2):

PreventionGenetics, part of Exact Sciences
Classification: Uncertain significance for PRKAR1B-related condition. Last evaluated: 2026-03-27. Review status: criteria provided, single submitter. Criteria: ACMG Guidelines, 2015. Collection method: clinical testing. Allele origin: germline.
Comment: The PRKAR1B c.1018G>A variant is predicted to result in the amino acid substitution p.Val340Met. This variant was reported in an individual with Amyotrophic lateral sclerosis (Bartoletti-Stella et al. 2018. PubMed ID: 29525180). This variant is reported in 0.14% of alleles in individuals of European (Finnish) descent in gnomAD. Although we suspect that this variant may be pathogenic, at this time, the clinical significance of this variant is uncertain due to the absence of conclusive functional and genetic evidence.

Mayo Clinic Laboratories, Mayo Clinic
Classification: Uncertain significance. Last evaluated: 2023-11-29. Review status: criteria provided, single submitter. Criteria: ACMG Guidelines, 2015. Collection method: clinical testing. Allele origin: germline. Observed: 1 variant allele.
Comment: BS2, PP3

Literature cited by the submitters: PubMed 29525180 (cited by Mayo Clinic Laboratories, Mayo Clinic).

NM_001164760.2(PRKAR1B):c.1018G>A (p.Val340Met)

Gene: PRKAR1B (protein kinase cAMP-dependent type I regulatory subunit beta; minus strand). Cytogenetic location: 7p22.3.
Variant type: single nucleotide variant.
Coding change: c.1018G>A on transcript NM_001164760.2 (MANE Select); coding-DNA position 1018, G replaced by A.
Protein change: p.Val340Met; replaces valine 340 with methionine.
Molecular consequence: missense variant.
Genome position (GRCh38, 1-based): chr7:550,558, C>T on the plus strand (G>A on the coding strand, the complement: PRKAR1B is on the minus strand). VCF-style: chr7-550558-C-T. GRCh37 (hg19) VCF-style: chr7-590195-C-T.
Other names: p.Val340Met; c.1018G>A, p.Val340Met (NM_001164758.2, NM_001164759.1, NM_001164761.2 and 2 more transcripts); short protein forms V340M.
Identifiers: ClinVar variation 3379731 (VCV003379731.2).